The following is an entry in ClinVar:

ClinVar aggregate classification (germline): Conflicting classifications of pathogenicity. Review status: criteria provided, conflicting classifications (1 of 4 stars). 6 submissions from 6 submitters: Uncertain significance (4); Benign (1); Likely benign (1). Last evaluated 2025-08-12.

Conditions:
PIEZO1-related disorder. Also called: PIEZO1-related condition; PIEZO1-Related Disorders.
Inborn genetic diseases. Identifiers: MedGen C0950123, MeSH D030342.

Allele frequency attached by ClinVar (database versions not stated): 1000 Genomes Project 0.00020; ExAC 0.00022; gnomAD exomes 0.00039 and 0.00054; gnomAD 0.00041 and 0.00044; TOPMed 0.00049; 1000 Genomes Project 30x 0.00062.
gnomAD v4.1: 816 of 1,549,200 alleles (0.053%); highest among the groups gnomAD compares: Non-Finnish European, 0.062%; 1 homozygote.

Submissions (6):

PreventionGenetics, part of Exact Sciences
Classification: Uncertain significance for PIEZO1-related condition. Last evaluated: 2025-08-12. Review status: criteria provided, single submitter. Criteria: ACMG Guidelines, 2015. Collection method: clinical testing. Allele origin: germline.
Comment: The PIEZO1 c.3434T>C variant is predicted to result in the amino acid substitution p.Val1145Ala. This variant has been reported with uncertain significance in a fetus with cystic hygroma (CH) on prenatal imaging (Supplemental Table 2, Rogerson et al. 2023. PubMed ID: 36959127). Of note, the variant was maternally inherited in that fetus, however no information was provide on the mother's phentoype. The c.3434T>C (p.Val1145Ala) variant is reported in 0.071% of alleles in individuals of Latino descent in gnomAD, which may be too common to be causative. Although we suspect that this variant may be benign, at this time, the clinical significance of this variant is uncertain due to the absence of conclusive functional and genetic evidence.

Laboratory of Genetics, Children's Clinical University Hospital Latvia
Classification: Likely benign. Last evaluated: 2025-02-16. Review status: criteria provided, single submitter. Criteria: ACMG Guidelines, 2015. Collection method: clinical testing. Allele origin: germline. Affected: yes.

Labcorp Genetics (formerly Invitae), Labcorp
Classification: Benign. Last evaluated: 2024-12-19. Review status: criteria provided, single submitter. Criteria: Invitae Variant Classification Sherloc (09022015). Collection method: clinical testing. Allele origin: germline.

Ambry Genetics
Classification: Uncertain significance for Inborn genetic diseases. Last evaluated: 2024-11-12. Review status: criteria provided, single submitter. Criteria: Ambry Variant Classification Scheme 2023. Collection method: clinical testing. Allele origin: germline.

Mayo Clinic Laboratories, Mayo Clinic
Classification: Uncertain significance. Last evaluated: 2019-06-20. Review status: criteria provided, single submitter. Criteria: ACMG Guidelines, 2015. Collection method: clinical testing. Allele origin: germline. Observed: 1 variant allele.

ARUP Laboratories, Molecular Genetics and Genomics, ARUP Laboratories
Classification: Uncertain significance. Last evaluated: 2017-12-06. Review status: criteria provided, single submitter. Criteria: ARUP Molecular Germline Variant Investigation Process. Collection method: clinical testing. Allele origin: germline.

NM_001142864.4(PIEZO1):c.3434T>C (p.Val1145Ala)

Gene: PIEZO1 (piezo type mechanosensitive ion channel component 1 (Er blood group); minus strand). Cytogenetic location: 16q24.3.
Variant type: single nucleotide variant.
Coding change: c.3434T>C on transcript NM_001142864.4 (MANE Select); coding-DNA position 3434, T replaced by C.
Protein change: p.Val1145Ala; replaces valine 1145 with alanine.
Molecular consequence: missense variant.
Genome position (GRCh38, 1-based): chr16:88,727,060, A>G on the plus strand (T>C on the coding strand, the complement: PIEZO1 is on the minus strand). VCF-style: chr16-88727060-A-G. GRCh37 (hg19) VCF-style: chr16-88793468-A-G.
Other names: c.3434T>C, p.Val1145Ala (LRG_1137t1); c.3434T>C (NM_001142864.3); short protein forms V1145A.
Identifiers: ClinVar variation 618272 (VCV000618272.21), dbSNP rs550993341, ClinGen allele CA8232489.